The following is an entry in ClinVar:

ClinVar aggregate classification (germline): Benign (1 of 4 stars; one submission).

Conditions:
Oligodontia-cancer predisposition syndrome. Also called: TOOTH AGENESIS-COLORECTAL CANCER SYNDROME. Identifiers: Orphanet 300576, MedGen C1837750, MONDO:0012075, OMIM 608615. Disease mechanism: loss of function.

Allele frequency attached by ClinVar (database versions not stated): gnomAD 0.00004 and 0.00009; TOPMed 0.00008; 1000 Genomes Project 30x 0.00031; gnomAD exomes 0.00037; 1000 Genomes Project 0.00040.
gnomAD v4.1: 120 of 444,804 alleles (0.027%); highest among the groups gnomAD compares: South Asian, 0.16%; 1 homozygote.

Submission:

Illumina Laboratory Services, Illumina
Classification: Benign for Oligodontia-cancer predisposition syndrome. Last evaluated: 2018-01-13. Review status: criteria provided, single submitter. Criteria: ICSL Variant Classification Criteria 13 December 2019. Collection method: clinical testing. Allele origin: germline.
Comment: This variant was observed in the ICSL laboratory as part of a predisposition screen in an ostensibly healthy population. It had not been previously curated by ICSL or reported in the Human Gene Mutation Database (HGMD: prior to June 1st, 2018), and was therefore a candidate for classification through an automated scoring system. Utilizing variant allele frequency, disease prevalence and penetrance estimates, and inheritance mode, an automated score was calculated to assess if this variant is too frequent to cause the disease. Based on the score and internal cut-off values, a variant classified as benign is not then subjected to further curation. The score for this variant resulted in a classification of benign for this disease.

NM_004655.4(AXIN2):c.*326A>G

Gene: AXIN2 (axin 2; minus strand). Cytogenetic location: 17q24.1.
Variant type: single nucleotide variant.
Coding change: c.*326A>G on transcript NM_004655.4 (MANE Select); 326 bases downstream of the stop codon, A replaced by G.
Molecular consequence: 3 prime UTR variant.
Genome position (GRCh38, 1-based): chr17:65,529,650, T>C on the plus strand (A>G on the coding strand, the complement: AXIN2 is on the minus strand). VCF-style: chr17-65529650-T-C. GRCh37 (hg19) VCF-style: chr17-63525768-T-C.
Other names: c.*326A>G (NM_001363813.1).
Identifiers: ClinVar variation 890242 (VCV000890242.4), dbSNP rs533959126, ClinGen allele CA293090586.